The following is an entry in ClinVar:

NM_001385106.1(LRRC74A):c.581del (p.Cys194fs)

Gene: LRRC74A (leucine rich repeat containing 74A; plus strand). Cytogenetic location: 14q24.3.
Variant type: Deletion.
Coding change: c.581del on transcript NM_001385106.1 (MANE Select); coding-DNA position 581, one base deleted (G; older notation c.581delG).
Protein change: p.Cys194fs; shifts the reading frame from cysteine 194.
Molecular consequence: frameshift variant. On other transcripts: non-coding transcript variant (2), intron variant (1).
Genome position (GRCh38, 1-based): chr14:76,844,459, G deleted. VCF-style (leftmost placement, unchanged base first): chr14-76844458-TG-T. GRCh37 (hg19) VCF-style: chr14-77310801-TG-T.
Other names: c.581del, p.Cys194fs (NM_001385107.1); c.632del, p.Cys211fs (NM_194287.3); c.544+6488del (NM_001385108.1); short protein forms C194fs, C211fs.
Identifiers: ClinVar variation 4880175 (VCV004880175.1).
Genomic context (GRCh38, chr14:76,844,458, plus strand): 5'-CACTGACACACCACCCTCACTACAGGAAATGACTTCAAGGAAGACTCCGCAGCACTGCTC[TG>T]CCAAGCCCTGTCGGTAAGAGGCAGGGAGTGCAGCCAAGCCACGTGGGCGATGTCCCTGGG-3'

ClinVar aggregate classification (germline): Likely pathogenic (1 of 4 stars; one submission).

Conditions:
Primary ciliary dyskinesia. Also called: Ciliary dyskinesia. Identifiers: Orphanet 244, MedGen C0008780, MONDO:0016575, HP:0012265.

Submission:

Department of Human Genetics, Hannover Medical School
Classification: Likely pathogenic for Primary Ciliary Dyskinesia. Last evaluated: 2026-04-01. Review status: criteria provided, single submitter. Criteria: ACMG Guidelines, 2015. Collection method: research. Allele origin: germline. Affected: no.
Comment: Classification performed by HerediClassify using the following criteria:['PM2_supporting: Variant occures does not occur as homozygous in gnomAD.', 'PVS1_protein_very_strong: Transcript ENST00000689127 is predicted to undergo NMD.']